The following is an entry in ClinVar:

NM_007294.4(BRCA1):c.303T>G (p.Tyr101Ter)

Gene: BRCA1 (BRCA1 DNA repair associated; minus strand). Cytogenetic location: 17q21.31.
Variant type: single nucleotide variant.
Coding change: c.303T>G on transcript NM_007294.4 (MANE Select); coding-DNA position 303, T replaced by G.
Protein change: p.Tyr101Ter; replaces tyrosine 101 with a stop codon.
Molecular consequence: nonsense. On other transcripts: missense variant (3), non-coding transcript variant (1).
Genome position (GRCh38, 1-based): chr17:43,104,260, A>C on the plus strand (T>G on the coding strand, the complement: BRCA1 is on the minus strand). VCF-style: chr17-43104260-A-C. GRCh37 (hg19) VCF-style: chr17-41256277-A-C.
Other names: p.Y101*:TAT>TAG; c.93T>G, p.Tyr31Ter (NM_001407950.1, NM_001407951.1, NM_001407952.1 and 58 more transcripts); c.-79T>G (NM_001407959.1, NM_001407960.1, NM_001407962.1 and 4 more transcripts); c.162T>G, p.Tyr54Ter (NM_001407964.1, NM_001408410.1, NM_001408452.1 and 99 more transcripts); c.303T>G, p.Tyr101Ter (NM_001407968.1, NM_001407969.1, NM_001407970.1 and 165 more transcripts); c.294T>G, p.Asp98Glu (NM_001408408.1, NM_001407646.1, NM_001407647.1); c.225T>G, p.Tyr75Ter (NM_001408409.1, NM_001408411.1, NM_001408412.1 and 21 more transcripts); c.171T>G, p.Tyr57Ter (NM_001408451.1); short protein forms Y101*, Y54*, D98E, Y57*, Y75*, Y31*.
Identifiers: ClinVar variation 54758 (VCV000054758.26), dbSNP rs80356936, ClinGen allele CA001996.

ClinVar aggregate classification (germline): Pathogenic. Review status: reviewed by expert panel (3 of 4 stars). 12 submissions from 12 submitters: Pathogenic (1). 11 of the submissions do not count toward it. Last evaluated 2016-09-08.

Conditions:
Inherited breast cancer and ovarian cancer.
Hereditary cancer-predisposing syndrome. Also called: Tumor predisposition; Neoplastic Syndromes, Hereditary; Hereditary Cancer Syndrome; Hereditary neoplastic syndrome. Identifiers: Orphanet 140162, MedGen C0027672, MeSH D009386, MONDO:0015356.
Hereditary breast ovarian cancer syndrome. Also called: Hereditary breast and ovarian cancer syndrome (HBOC); Hereditary breast and ovarian cancer syndrome; Hereditary breast and ovarian cancer; Hereditary breast and/or ovarian cancer syndrome; Breast and ovarian cancer; BRCA1- and BRCA2-Associated Hereditary Breast and Ovarian Cancer. Identifiers: Orphanet 145, MedGen C0677776, MeSH D061325, MONDO:0003582. Disease mechanism: loss of function.
Breast-ovarian cancer, familial, susceptibility to, 1 (BROVCA1). Also called: OVARIAN CANCER, SUSCEPTIBILITY TO; BRCA1 Hereditary Breast and Ovarian Cancer. Identifiers: Orphanet 145, MedGen C2676676, MONDO:0011450, OMIM 604370. Disease mechanism: loss of function.

Allele frequency attached by ClinVar (database versions not stated): TOPMed 0.00001.

Submissions (12):

Evidence-based Network for the Interpretation of Germline Mutant Alleles (ENIGMA)
Classification: Pathogenic for Breast-ovarian cancer, familial, susceptibility to, 1. Last evaluated: 2016-09-08. Review status: reviewed by expert panel. Criteria: ENIGMA BRCA1/2 Classification Criteria (2015). Collection method: curation. Allele origin: germline.
Comment: Variant allele predicted to encode a truncated non-functional protein.

Genetics Laboratory, Great Ormond Street Hospital NHS Foundation Trust, North Thames Genomic Laboratory Hub
Classification: Pathogenic for Inherited breast cancer and ovarian cancer. Last evaluated: 2026-02-02. Review status: criteria provided, single submitter. Criteria: CanVIG BRCA Gene Specific V1.22. Collection method: clinical testing. Allele origin: germline. Affected: yes. Not counted in ClinVar's aggregate classification.
Comment: PS4_moderate, PM2_moderate, PVS1_very-strong, PM5_strong

Institute for Genomic Medicine (IGM) Clinical Laboratory, Nationwide Children's Hospital
Classification: Pathogenic for Hereditary cancer-predisposing syndrome. Last evaluated: 2025-10-07. Review status: criteria provided, single submitter. Criteria: ACMG Guidelines, 2015. Collection method: clinical testing. Allele origin: germline. Not counted in ClinVar's aggregate classification.
Comment: This variant is predicted to result in loss of function through nonsense-mediated decay of the encoded transcript or premature truncation of the encoded protein in a gene in which loss of function is a known mechanism of disease (ACMG/AMP: PVS1; PMIDs:17221156, 26681312, 22739995). This variant has been reported at an elevated frequency in affected individuals/in multiple affected individuals in the literature (ACMG/AMP: PS4; PMIDs:17221156, 26681312, 22739995). This variant is absent from or present at an exceedingly low frequency in gnomAD, a large-scale control population database (ACMG/AMP: PM2).

Labcorp Genetics (formerly Invitae), Labcorp
Classification: Pathogenic for Hereditary breast ovarian cancer syndrome. Last evaluated: 2025-02-27. Review status: criteria provided, single submitter. Criteria: Invitae Variant Classification Sherloc (09022015). Collection method: clinical testing. Allele origin: germline. Not counted in ClinVar's aggregate classification.
Comment: This sequence change creates a premature translational stop signal (p.Tyr101*) in the BRCA1 gene. It is expected to result in an absent or disrupted protein product. Loss-of-function variants in BRCA1 are known to be pathogenic (PMID: 20104584). This variant is not present in population databases (gnomAD no frequency). This premature translational stop signal has been observed in individual(s) with breast and ovarian cancer (PMID: 17221156, 18679828, 26681312). ClinVar contains an entry for this variant (Variation ID: 54758). For these reasons, this variant has been classified as Pathogenic.

Women's Health and Genetics/Laboratory Corporation of America, LabCorp
Classification: Pathogenic for Hereditary breast ovarian cancer syndrome. Last evaluated: 2024-08-20. Review status: criteria provided, single submitter. Criteria: LabCorp Variant Classification Summary - May 2015. Collection method: clinical testing. Allele origin: germline. Not counted in ClinVar's aggregate classification.
Comment: Variant summary: BRCA1 c.303T>G (p.Tyr101X) results in a premature termination codon, predicted to cause a truncation of the encoded protein or absence of the protein due to nonsense mediated decay, which are commonly known mechanisms for disease. The variant was absent in 250608 control chromosomes. c.303T>G has been reported in the literature in individuals affected with Hereditary Breast And Ovarian Cancer Syndrome. These data indicate that the variant is likely to be associated with disease. To our knowledge, no experimental evidence demonstrating an impact on protein function has been reported. The following publications have been ascertained in the context of this evaluation (PMID: 22034289, 17591842, 18679828). ClinVar contains an entry for this variant (Variation ID: 54758). Based on the evidence outlined above, the variant was classified as pathogenic.

GeneDx
Classification: Pathogenic. Last evaluated: 2024-04-11. Review status: criteria provided, single submitter. Criteria: GeneDx Variant Classification Process June 2021. Collection method: clinical testing. Allele origin: germline. Affected: yes. Not counted in ClinVar's aggregate classification.
Comment: Truncating variants in this gene are considered pathogenic by a well-established clinical consortium and/or database; Nonsense variant predicted to result in protein truncation or nonsense mediated decay in a gene for which loss of function is a known mechanism of disease; Not observed at significant frequency in large population cohorts (gnomAD); Also known as 422T>G; This variant is associated with the following publications: (PMID: 17221156, 28918466, 26848529, 31112363, 28888541, 25525159, 25823446, 17591842, 22739995, 18679828, 23519070, 28439188, 29446198, 31892343, 30130155, 31853058, 35216584, 22034289, 30702160, 32377563, 26681312, 34887416)

Baylor Genetics
Classification: Pathogenic for Breast-ovarian cancer, familial, susceptibility to, 1. Last evaluated: 2023-12-31. Review status: criteria provided, single submitter. Criteria: ACMG Guidelines, 2015. Collection method: clinical testing. Allele origin: unknown. Not counted in ClinVar's aggregate classification.

Ambry Genetics
Classification: Pathogenic for Hereditary cancer-predisposing syndrome. Last evaluated: 2023-11-29. Review status: criteria provided, single submitter. Criteria: Ambry Variant Classification Scheme 2023. Collection method: clinical testing. Allele origin: germline. Not counted in ClinVar's aggregate classification.
Comment: The p.Y101* pathogenic mutation (also known as c.303T>G), located in coding exon 5 of the BRCA1 gene, results from a T to G substitution at nucleotide position 303. This changes the amino acid from a tyrosine to a stop codon within coding exon 5. This pathogenic mutation has been described as a Nigerian founder mutation in individuals of Yoruban ancestry (Zhang B et al. Fam. Cancer 2009; 8(1):15-22; Zhang J et al. Breast Cancer Res. Treat. 2012 Jul; 134(2):889-94; Fackenthal JD et al. Int. J. Cancer 2012 Sep; 131(5):1114-23). It has also been reported in multiple HBOC families (Rebbeck TR et al. Hum Mutat. 2018 May;39(5):593-620; Veschi S et al. Ann. Oncol. 2007 Jun; 18 (Suppl 6):vi86-92; Russo A et al. Breast Cancer Res. Treat. 2007 Nov; 105(3):267-76). In addition to the clinical data presented in the literature, this alteration is expected to result in loss of function by premature protein truncation or nonsense-mediated mRNA decay. As such, this alteration is interpreted as a disease-causing mutation.

Color Diagnostics, LLC DBA Color Health
Classification: Pathogenic for Hereditary cancer-predisposing syndrome. Last evaluated: 2020-08-17. Review status: criteria provided, single submitter. Criteria: ACMG Guidelines, 2015. Collection method: clinical testing. Allele origin: germline. Not counted in ClinVar's aggregate classification.
Comment: This variant replaces tyrosine with a translation stop signal at codon 101 of the BRCA1 protein. This variant is expected to result in an absent or non-functional protein product. To our knowledge, functional studies have not been reported for this variant. This variant has been reported in over ten individuals affected with breast and/or ovarian cancer (PMID: 17221156, 17221156, 18679828, 22739995, 26681312, 31125277, 18679828). This variant has not been identified in the general population by the Genome Aggregation Database (gnomAD). Loss of BRCA1 function is a known mechanism of disease. Based on the available evidence, this variant is classified as Pathogenic.

Consortium of Investigators of Modifiers of BRCA1/2 (CIMBA), c/o University of Cambridge
Classification: Pathogenic for Breast-ovarian cancer, familial, susceptibility to, 1. Last evaluated: 2015-10-02. Review status: criteria provided, single submitter. Criteria: CIMBA Mutation Classification guidelines May 2016. Collection method: clinical testing. Allele origin: germline. Not counted in ClinVar's aggregate classification.

Research Molecular Genetics Laboratory, Women's College Hospital, University of Toronto
Classification: Pathogenic for Hereditary breast ovarian cancer syndrome. Last evaluated: 2014-01-31. Review status: no assertion criteria provided. Collection method: research. Allele origin: germline. Affected: yes. Study: The Canadian Open Genetics Repository (COGR). Not counted in ClinVar's aggregate classification.

Breast Cancer Information Core (BIC) (BRCA1)
Classification: Pathogenic for Breast-ovarian cancer, familial 1. Last evaluated: 2007-01-18. Review status: no assertion criteria provided. Collection method: clinical testing. Allele origin: germline. Affected: yes. Observed: 2 variant alleles. Not counted in ClinVar's aggregate classification.

Literature cited by the submitters: PubMed 17221156 (cited by 3 submitters); PubMed 26681312 (cited by 3 submitters); PubMed 22739995 (cited by Institute for Genomic Medicine (IGM) Clinical Laboratory, Nationwide Children's Hospital and Ambry Genetics); PubMed 20104584 (cited by Labcorp Genetics (formerly Invitae), Labcorp); PubMed 18679828 (cited by 3 submitters); PubMed 22034289 (cited by Women's Health and Genetics/Laboratory Corporation of America, LabCorp and Ambry Genetics); PubMed 17591842 (cited by Women's Health and Genetics/Laboratory Corporation of America, LabCorp and Ambry Genetics).